The following is an entry in ClinVar:

ClinVar aggregate classification (germline): Uncertain significance (1 of 4 stars; one submission).

Submission:

Labcorp Genetics (formerly Invitae), Labcorp
Classification: Uncertain significance. Last evaluated: 2022-06-15. Review status: criteria provided, single submitter. Criteria: Invitae Variant Classification Sherloc (09022015). Collection method: clinical testing. Allele origin: germline.
Comment: Experimental studies and prediction algorithms are not available or were not evaluated, and the functional significance of this variant is currently unknown. This variant has not been reported in the literature in individuals affected with GINS1-related conditions. This variant is a gross deletion of the genomic region encompassing exon(s) 6 of the GINS1 gene. This variant would be expected to be in-frame, preserving the integrity of the reading frame. In summary, the available evidence is currently insufficient to determine the role of this variant in disease. Therefore, it has been classified as a Variant of Uncertain Significance.

NC_000020.10:g.(?_25422318)_(25422432_?)del

Gene: GINS1 (GINS complex subunit 1; plus strand). Cytogenetic location: 20p11.21.
Variant type: Deletion.
Identifiers: ClinVar variation 2426656 (VCV002426656.4).